The following is an entry in ClinVar:

ClinVar aggregate classification (germline): Uncertain significance. Review status: criteria provided, multiple submitters, no conflicts (2 of 4 stars). 2 submissions from 2 submitters: Uncertain significance (2). Last evaluated 2026-01-19.

Conditions:
Familial adenomatous polyposis 1 (FAP1). Also called: FAMILIAL ADENOMATOUS POLYPOSIS 1, ATTENUATED; POLYPOSIS, ADENOMATOUS INTESTINAL. Identifiers: MedGen C2713442, MONDO:0021056, OMIM 175100. Disease mechanism: loss of function.
Hereditary cancer-predisposing syndrome. Also called: Hereditary Cancer Syndrome; Hereditary neoplastic syndrome; Neoplastic Syndromes, Hereditary; Tumor predisposition. Identifiers: Orphanet 140162, MedGen C0027672, MeSH D009386, MONDO:0015356.

Submissions (2):

Labcorp Genetics (formerly Invitae), Labcorp
Classification: Uncertain significance for Familial adenomatous polyposis 1. Last evaluated: 2026-01-19. Review status: criteria provided, single submitter. Criteria: Invitae Variant Classification Sherloc (09022015). Collection method: clinical testing. Allele origin: germline.
Comment: This sequence change replaces serine, which is neutral and polar, with cysteine, which is neutral and slightly polar, at codon 237 of the APC protein (p.Ser237Cys). This variant is not present in population databases (gnomAD no frequency). This variant has not been reported in the literature in individuals affected with APC-related conditions. ClinVar contains an entry for this variant (Variation ID: 3929862). Invitae Evidence Modeling of protein sequence and biophysical properties (such as structural, functional, and spatial information, amino acid conservation, physicochemical variation, residue mobility, and thermodynamic stability) indicates that this missense variant is not expected to disrupt APC protein function with a negative predictive value of 95%. In summary, the available evidence is currently insufficient to determine the role of this variant in disease. Therefore, it has been classified as a Variant of Uncertain Significance.

Ambry Genetics
Classification: Uncertain significance for Hereditary cancer-predisposing syndrome. Last evaluated: 2025-06-04. Review status: criteria provided, single submitter. Criteria: Ambry Variant Classification Scheme 2023. Collection method: clinical testing. Allele origin: germline.
Comment: The p.S237C variant (also known as c.710C>G), located in coding exon 6 of the APC gene, results from a C to G substitution at nucleotide position 710. The serine at codon 237 is replaced by cysteine, an amino acid with dissimilar properties. This amino acid position is conserved. In addition, in silico predictors for this gene do not accurately predict pathogenicity. Based on the available evidence, the clinical significance of this variant remains unclear.

NM_000038.6(APC):c.710C>G (p.Ser237Cys)

Gene: APC (APC regulator of Wnt signaling pathway; plus strand). Cytogenetic location: 5q22.2.
Variant type: single nucleotide variant.
Coding change: c.710C>G on transcript NM_000038.6 (MANE Select); coding-DNA position 710, C replaced by G.
Protein change: p.Ser237Cys; replaces serine 237 with cysteine.
Molecular consequence: missense variant. On other transcripts: 5 prime UTR variant (4), non-coding transcript variant (2), intron variant (5).
Genome position (GRCh38, 1-based): chr5:112,792,510, C>G. VCF-style: chr5-112792510-C-G. GRCh37 (hg19) VCF-style: chr5-112128207-C-G.
Other names: c.710C>G, p.Ser237Cys (NM_001127510.3, NM_001354895.2, NM_001354896.2 and 12 more transcripts); c.740C>G, p.Ser247Cys (NM_001354897.2, NM_001354902.2, NM_001407446.1); c.635C>G, p.Ser212Cys (NM_001354898.2, NM_001354904.2, NM_001407451.1); c.533C>G, p.Ser178Cys (NM_001354900.2, NM_001354901.2, NM_001354905.2 and 1 more transcripts); c.-326C>G (NM_001354906.2, NM_001407470.1, NM_001407471.1 and 1 more transcripts); c.646-8769C>G (NM_001407452.1, NM_001407469.1, NM_001354899.2 and 1 more transcripts); c.676-8769C>G (NM_001127511.3); short protein forms S212C, S178C, S247C, S237C.
Identifiers: ClinVar variation 3929862 (VCV003929862.2).
Genomic context (GRCh38, chr5:112,792,510, plus strand): 5'-GAATAGCCAGAATTCAGCAAATCGAAAAGGACATACTTCGTATACGACAGCTTTTACAGT[C>G]CCAAGCAACAGAAGCAGAGGTTAGTAAATTGCCTTTCTTGTTTGTGGGTATAAAAATAGG-3'
Protein context (NP_000029.2, residues 227-247): DILRIRQLLQ[Ser237Cys]QATEAERSSQ